The following is an entry in ClinVar:

ClinVar aggregate classification (germline): Uncertain significance (1 of 4 stars; one submission).

Submission:

Labcorp Genetics (formerly Invitae), Labcorp
Classification: Uncertain significance. Last evaluated: 2022-09-14. Review status: criteria provided, single submitter. Criteria: Invitae Variant Classification Sherloc (09022015). Collection method: clinical testing. Allele origin: germline.
Comment: This variant has not been reported in the literature in individuals affected with PLEKHM2-related conditions. This variant is not present in population databases (gnomAD no frequency). This sequence change replaces alanine, which is neutral and non-polar, with glycine, which is neutral and non-polar, at codon 95 of the PLEKHM2 protein (p.Ala95Gly). Algorithms developed to predict the effect of missense changes on protein structure and function are either unavailable or do not agree on the potential impact of this missense change (SIFT: "Tolerated"; PolyPhen-2: "Possibly Damaging"; Align-GVGD: "Class C0"). In summary, the available evidence is currently insufficient to determine the role of this variant in disease. Therefore, it has been classified as a Variant of Uncertain Significance.

NM_015164.4(PLEKHM2):c.284C>G (p.Ala95Gly)

Gene: PLEKHM2 (pleckstrin homology and RUN domain containing M2; plus strand). Cytogenetic location: 1p36.21.
Variant type: single nucleotide variant.
Coding change: c.284C>G on transcript NM_015164.4 (MANE Select); coding-DNA position 284, C replaced by G.
Protein change: p.Ala95Gly; replaces alanine 95 with glycine.
Molecular consequence: missense variant.
Genome position (GRCh38, 1-based): chr1:15,717,899, C>G. VCF-style: chr1-15717899-C-G. GRCh37 (hg19) VCF-style: chr1-16044394-C-G.
Other names: c.284C>G, p.Ala95Gly (NM_001410755.1); short protein forms A95G.
Identifiers: ClinVar variation 1719429 (VCV001719429.5), dbSNP rs750279086, ClinGen allele CA338579081.
Genomic context (GRCh38, chr1:15,717,899, plus strand): 5'-AAAGCCAGCAGTCTGAGAGGCCTTCCTGCCGGTTACTCCTGCCTTTGTTTGCAGGCCGTG[C>G]CTGGCTGTACCTGGCCCTCAACGAGAACTCCTTGGAGAGCTACCTGCGGTTGTTCCAGGA-3'
Protein context (NP_055979.2, residues 85-105): HVATNLGRSR[Ala95Gly]WLYLALNENS